The following is an entry in ClinVar:

ClinVar aggregate classification (germline): Uncertain significance (1 of 4 stars; one submission).

Submission:

GeneDx
Classification: Uncertain significance. Last evaluated: 2024-03-25. Review status: criteria provided, single submitter. Criteria: GeneDx Variant Classification Process June 2021. Collection method: clinical testing. Allele origin: germline. Affected: yes.
Comment: Not observed at significant frequency in large population cohorts (gnomAD); Has not been previously published as pathogenic or benign to our knowledge; Frameshift variant predicted to result in protein truncation or nonsense mediated decay in a gene for which loss-of-function is not a known mechanism of disease

NM_003491.4(NAA10):c.5del (p.Asn2fs)

Genes: NAA10 (N-alpha-acetyltransferase 10, NatA catalytic subunit; minus strand), LOC130068840 (ATAC-STARR-seq lymphoblastoid silent region 21075; plus strand). Cytogenetic location: Xq28.
Variant type: Deletion.
Coding change: c.5del on transcript NM_003491.4 (MANE Select); coding-DNA position 5, one base deleted (A; older notation c.5delA).
Protein change: p.Asn2fs; shifts the reading frame from asparagine 2.
Molecular consequence: frameshift variant.
Genome position (GRCh38, 1-based): chrX:153,934,900, T deleted on the plus strand (A on the coding strand, the reverse complement: NAA10 is on the minus strand); the first of 2 consecutive T bases (chrX:153,934,900-153,934,901); deleting either gives the same sequence. VCF-style (leftmost placement, unchanged base first): chrX-153934899-GT-G. GRCh37 (hg19) VCF-style: chrX-153200352-GT-G.
Other names: c.5del, p.Asn2fs (NM_001256119.2, NM_001256120.2); short protein forms N2fs.
Identifiers: ClinVar variation 3371634 (VCV003371634.1).